The following is an entry in ClinVar:

ClinVar aggregate classification (germline): Uncertain significance (1 of 4 stars; one submission).

Conditions:
Familial cancer of breast. Also called: BREAST CANCER, FAMILIAL; Hereditary breast cancer; hereditary breast carcinoma. Identifiers: Orphanet 227535, MedGen C0346153, MONDO:0016419, OMIM 114480. Disease mechanism: loss of function.

Submission:

Labcorp Genetics (formerly Invitae), Labcorp
Classification: Uncertain significance for Familial cancer of breast. Last evaluated: 2019-07-24. Review status: criteria provided, single submitter. Criteria: Invitae Variant Classification Sherloc (09022015). Collection method: clinical testing. Allele origin: germline.
Comment: In summary, the available evidence is currently insufficient to determine the role of this variant in disease. Therefore, it has been classified as a Variant of Uncertain Significance. Algorithms developed to predict the effect of missense changes on protein structure and function (SIFT, PolyPhen-2, Align-GVGD) all suggest that this variant is likely to be tolerated, but these predictions have not been confirmed by published functional studies and their clinical significance is uncertain. This variant has not been reported in the literature in individuals with PALB2-related conditions. This variant is not present in population databases (ExAC no frequency). This sequence change replaces aspartic acid with valine at codon 498 of the PALB2 protein (p.Asp498Val). The aspartic acid residue is weakly conserved and there is a large physicochemical difference between aspartic acid and valine.

NM_024675.4(PALB2):c.1493A>T (p.Asp498Val)

Gene: PALB2 (partner and localizer of BRCA2; minus strand). Cytogenetic location: 16p12.2.
Variant type: single nucleotide variant.
Coding change: c.1493A>T on transcript NM_024675.4 (MANE Select); coding-DNA position 1493, A replaced by T.
Protein change: p.Asp498Val; replaces aspartic acid 498 with valine.
Molecular consequence: missense variant.
Genome position (GRCh38, 1-based): chr16:23,635,053, T>A on the plus strand (A>T on the coding strand, the complement: PALB2 is on the minus strand). VCF-style: chr16-23635053-T-A. GRCh37 (hg19) VCF-style: chr16-23646374-T-A.
Other names: short protein forms D498V.
Identifiers: ClinVar variation 958704 (VCV000958704.10), dbSNP rs1966962467, ClinGen allele CA395131084.